The following is an entry in ClinVar:

ClinVar aggregate classification (germline): Pathogenic/Likely pathogenic. Review status: criteria provided, multiple submitters, no conflicts (2 of 4 stars). 2 submissions from 2 submitters: Pathogenic (1); Likely pathogenic (1). Last evaluated 2023-05-16.

Conditions:
Cardiovascular phenotype. Identifiers: MedGen CN230736.
Dilated cardiomyopathy 1HH (CMD1HH). Identifiers: Orphanet 154, MedGen C3151293, MONDO:0013479, OMIM 613881.
Myofibrillar myopathy 6. Identifiers: Orphanet 199340, MedGen C2751831, MONDO:0013061, OMIM 612954.

Submissions (2):

Molecular Diagnostic Laboratory for Inherited Cardiovascular Disease, Montreal Heart Institute
Classification: Likely pathogenic for Cardiovascular phenotype. Last evaluated: 2023-05-16. Review status: criteria provided, single submitter. Criteria: ACMG Guidelines, 2015. Collection method: clinical testing. Allele origin: germline. Affected: yes.

Labcorp Genetics (formerly Invitae), Labcorp
Classification: Pathogenic for Dilated cardiomyopathy 1HH; Myofibrillar myopathy 6. Last evaluated: 2021-07-14. Review status: criteria provided, single submitter. Criteria: Invitae Variant Classification Sherloc (09022015). Collection method: clinical testing. Allele origin: germline.
Comment: This sequence change creates a premature translational stop signal (p.Glu414*) in the BAG3 gene. While this is not anticipated to result in nonsense mediated decay, it is expected to disrupt the last 162 amino acid(s) of the BAG3 protein. This variant is not present in population databases (ExAC no frequency). This variant has not been reported in the literature in individuals affected with BAG3-related conditions. ClinVar contains an entry for this variant (Variation ID: 410239). This variant disrupts a region of the BAG3 protein in which other variant(s) (p.Glu471Argfs*95) have been determined to be pathogenic (Invitae). This suggests that this is a clinically significant region of the protein, and that variants that disrupt it are likely to be disease-causing. For these reasons, this variant has been classified as Pathogenic.

NM_004281.4(BAG3):c.1240G>T (p.Glu414Ter)

Gene: BAG3 (BAG cochaperone 3; plus strand). Cytogenetic location: 10q26.11.
Variant type: single nucleotide variant.
Coding change: c.1240G>T on transcript NM_004281.4 (MANE Select); coding-DNA position 1240, G replaced by T.
Protein change: p.Glu414Ter; replaces glutamic acid 414 with a stop codon.
Molecular consequence: nonsense.
Genome position (GRCh38, 1-based): chr10:119,676,794, G>T. VCF-style: chr10-119676794-G-T. GRCh37 (hg19) VCF-style: chr10-121436306-G-T.
Other names: short protein forms E414*.
Identifiers: ClinVar variation 410239 (VCV000410239.9), dbSNP rs117749531, ClinGen allele CA16613029.
Genomic context (GRCh38, chr10:119,676,794, plus strand): 5'-GAGAGGGCAGCCCCCAGCACTGCCCCTGCAGAAGCTACACCTCCAAAACCAGGAGAAGCC[G>T]AGGCTCCCCCAAAACATCCAGGAGTGCTGAAAGTGGAAGCCATCCTGGAGAAGGTACAGG-3'